The following is an entry in ClinVar:

ClinVar aggregate classification (germline): Conflicting classifications of pathogenicity. Review status: criteria provided, conflicting classifications (1 of 4 stars). 2 submissions from 2 submitters: Uncertain significance (1); Likely benign (1). Last evaluated 2023-03-23.

Conditions:
Hereditary cancer-predisposing syndrome. Also called: Neoplastic Syndromes, Hereditary; Tumor predisposition; Hereditary Cancer Syndrome; Hereditary neoplastic syndrome. Identifiers: Orphanet 140162, MedGen C0027672, MeSH D009386, MONDO:0015356.
Hereditary breast ovarian cancer syndrome. Also called: Breast and ovarian cancer; BRCA1- and BRCA2-Associated Hereditary Breast and Ovarian Cancer; Hereditary breast and ovarian cancer; Hereditary breast and ovarian cancer syndrome (HBOC); Hereditary breast and/or ovarian cancer syndrome; Hereditary breast and ovarian cancer syndrome. Identifiers: Orphanet 145, MedGen C0677776, MeSH D061325, MONDO:0003582. Disease mechanism: loss of function.

Submissions (2):

University of Washington Department of Laboratory Medicine, University of Washington
Classification: Likely benign for Hereditary cancer-predisposing syndrome. Last evaluated: 2023-03-23. Review status: criteria provided, single submitter. Criteria: Dines et al. (Genet Med. 2020). Collection method: curation. Allele origin: germline.
Comment: Missense variant in a coldspot region where missense variants are very unlikely to be pathogenic (PMID:31911673).

BRCA1 coldspot (exon 11 using historical exon numbering). Reclassification based on statistical prior probability

Labcorp Genetics (formerly Invitae), Labcorp
Classification: Uncertain significance for Hereditary breast ovarian cancer syndrome. Last evaluated: 2018-11-10. Review status: criteria provided, single submitter. Criteria: Invitae Variant Classification Sherloc (09022015). Collection method: clinical testing. Allele origin: germline.
Comment: This sequence change replaces isoleucine with valine at codon 1129 of the BRCA1 protein (p.Ile1129Val). The isoleucine residue is moderately conserved and there is a small physicochemical difference between isoleucine and valine. This variant is not present in population databases (ExAC no frequency). This variant has not been reported in the literature in individuals with BRCA1-related disease. Algorithms developed to predict the effect of missense changes on protein structure and function output the following: SIFT: "Tolerated"; PolyPhen-2: "Benign"; Align-GVGD: "Class C0". The valine amino acid residue is found in multiple mammalian species, suggesting that this missense change does not adversely affect protein function. These predictions have not been confirmed by published functional studies and their clinical significance is uncertain. In summary, the available evidence is currently insufficient to determine the role of this variant in disease. Therefore, it has been classified as a Variant of Uncertain Significance.

NM_007294.4(BRCA1):c.3385A>G (p.Ile1129Val)

Genes: BRCA1 (BRCA1 DNA repair associated; minus strand), LOC126862571 (BRD4-independent group 4 enhancer GRCh37_chr17:41243136-41244335; plus strand). Cytogenetic location: 17q21.31.
Variant type: single nucleotide variant.
Coding change: c.3385A>G on transcript NM_007294.4 (MANE Select); coding-DNA position 3385, A replaced by G.
Protein change: p.Ile1129Val; replaces isoleucine 1129 with valine.
Molecular consequence: missense variant. On other transcripts: intron variant (137).
Genome position (GRCh38, 1-based): chr17:43,092,146, T>C on the plus strand (A>G on the coding strand, the complement: BRCA1 is on the minus strand). VCF-style: chr17-43092146-T-C. GRCh37 (hg19) VCF-style: chr17-41244163-T-C.
Other names: c.3262A>G, p.Ile1088Val (NM_001407683.1, NM_001407648.1, NM_001407664.1 and 19 more transcripts); c.3385A>G, p.Ile1129Val (NM_001407684.1, NM_001407581.1, NM_001407582.1 and 30 more transcripts); c.3259A>G, p.Ile1087Val (NM_001407685.1, NM_001407686.1, NM_001407687.1 and 11 more transcripts); c.3244A>G, p.Ile1082Val (NM_001407694.1, NM_001407695.1, NM_001407696.1 and 29 more transcripts); c.3241A>G, p.Ile1081Val (NM_001407740.1, NM_001407741.1, NM_001407742.1 and 20 more transcripts); c.3172A>G, p.Ile1058Val (NM_001407571.1, NM_001407853.1, NM_001407894.1 and 9 more transcripts); c.3382A>G, p.Ile1128Val (NM_001407587.1, NM_001407590.1, NM_001407591.1 and 22 more transcripts); c.3376A>G, p.Ile1126Val (NM_001407646.1, NM_001407647.1); and 41 more; short protein forms I1082V, I1129V, I1001V, I1040V, I1081V, I1128V, I1002V, I1088V.
Identifiers: ClinVar variation 649690 (VCV000649690.12), dbSNP rs1597863986, ClinGen allele CA10595208.